The following is an entry in ClinVar:

ClinVar aggregate classification (germline): Uncertain significance (1 of 4 stars; one submission).

Conditions:
PKD1-related disorder. Also called: PKD1-related condition.

Submission:

PreventionGenetics, part of Exact Sciences
Classification: Uncertain significance for PKD1-related condition. Last evaluated: 2023-05-15. Review status: criteria provided, single submitter. Criteria: ACMG Guidelines, 2015. Collection method: clinical testing. Allele origin: germline.
Comment: The PKD1 c.7864-43_7864-16del28 variant is predicted to result in an intronic deletion. which is predicted to result in an intronic deletion and affect splicing based on available splicing prediction programs (Alamut Visual Plus v1.6.1). To our knowledge, this variant has not been reported in the literature or in a large population database, indicating this variant is rare. At this time, the clinical significance of this variant is uncertain due to the absence of conclusive functional and genetic evidence.

NM_001009944.3(PKD1):c.7864-43_7864-16del

Gene: PKD1 (polycystin 1, transient receptor potential channel interacting; minus strand). Cytogenetic location: 16p13.3.
Variant type: Deletion.
Coding change: c.7864-43_7864-16del on transcript NM_001009944.3 (MANE Select); 43 bases into the intron before coding-DNA position 7864 through 16 bases into the intron before coding-DNA position 7864, 28 bases deleted (TCCTGCGCTGCTGACAGCTTGCTGTGCC).
Molecular consequence: intron variant.
Genome position (GRCh38, 1-based): chr16:2,105,490-2,105,517, GGCACAGCAAGCTGTCAGCAGCGCAGGA deleted on the plus strand (TCCTGCGCTGCTGACAGCTTGCTGTGCC on the coding strand, the reverse complement: PKD1 is on the minus strand); deleting any 28 consecutive bases within chr16:2,105,490-2,105,520 gives the same sequence; the c. name uses the placement nearest the transcript's 3' end. VCF-style (leftmost placement, unchanged base first): chr16-2105489-GGGCACAGCAAGCTGTCAGCAGCGCAGGA-G. GRCh37 (hg19) VCF-style: chr16-2155490-GGGCACAGCAAGCTGTCAGCAGCGCAGGA-G.
Other names: c.7864-43_7864-16del (NM_000296.4).
Identifiers: ClinVar variation 2633288 (VCV002633288.1), dbSNP rs2544770460, ClinGen allele CA2695197389.
Genomic context (GRCh38, chr16:2,105,489, plus strand): 5'-GCCGCTCGTGCTTGGGCTCTGCCGCCACGTCCAGGGCCCGCTCGTACTGGGGCAGGCAGG[GGGCACAGCAAGCTGTCAGCAGCGCAGGA>G]GGCCGGCAGGAGGCCAGCAGATGCCCACGACTCCCGGGGTGCAGTTACGTGCTAGACGCT-3'